The following is an entry in ClinVar:

NM_006514.4(SCN10A):c.1417G>C (p.Asp473His)

Gene: SCN10A (sodium voltage-gated channel alpha subunit 10; minus strand). Cytogenetic location: 3p22.2.
Variant type: single nucleotide variant.
Coding change: c.1417G>C on transcript NM_006514.4 (MANE Select); coding-DNA position 1417, G replaced by C.
Protein change: p.Asp473His; replaces aspartic acid 473 with histidine.
Molecular consequence: missense variant.
Genome position (GRCh38, 1-based): chr3:38,755,832, C>G on the plus strand (G>C on the coding strand, the complement: SCN10A is on the minus strand). VCF-style: chr3-38755832-C-G. GRCh37 (hg19) VCF-style: chr3-38797323-C-G.
Other names: c.1417G>C (NM_006514.2); c.1417G>C, p.Asp473His (NM_001293306.2, NM_001293307.2); short protein forms D473H.
Identifiers: ClinVar variation 936388 (VCV000936388.11), dbSNP rs143920053, ClinGen allele CA2320875.

ClinVar aggregate classification (germline): Conflicting classifications of pathogenicity. Review status: criteria provided, conflicting classifications (1 of 4 stars). 3 submissions from 3 submitters: Uncertain significance (2); Likely benign (1). Last evaluated 2025-12-15.

Conditions:
Cardiovascular phenotype. Identifiers: MedGen CN230736.
Brugada syndrome. Also called: Sudden unexpected nocturnal death syndrome; Sudden Unexplained Death Syndrome; Sudden Unexplained Nocturnal Death Syndrome (SUNDS); Sudden unexplained nocturnal death syndrome. Identifiers: Orphanet 130, MedGen C1142166, MONDO:0015263.

Allele frequency attached by ClinVar (database versions not stated): gnomAD exomes 0.00001 and 0.00002; ExAC 0.00003; TOPMed 0.00006; gnomAD 0.00007 and 0.00009; ESP Exome Variant Server 0.00008.
gnomAD v4.1: 20 of 1,614,012 alleles (0.0012%); highest among the groups gnomAD compares: African/African-American, 0.027%; no homozygotes.

Submissions (3):

Labcorp Genetics (formerly Invitae), Labcorp
Classification: Uncertain significance for Brugada syndrome. Last evaluated: 2025-12-15. Review status: criteria provided, single submitter. Criteria: Invitae Variant Classification Sherloc (09022015). Collection method: clinical testing. Allele origin: germline.
Comment: This sequence change replaces aspartic acid, which is acidic and polar, with histidine, which is basic and polar, at codon 473 of the SCN10A protein (p.Asp473His). This variant is present in population databases (rs143920053, gnomAD 0.03%). This variant has not been reported in the literature in individuals affected with SCN10A-related conditions. ClinVar contains an entry for this variant (Variation ID: 936388). Invitae Evidence Modeling of protein sequence and biophysical properties (such as structural, functional, and spatial information, amino acid conservation, physicochemical variation, residue mobility, and thermodynamic stability) indicates that this missense variant is not expected to disrupt SCN10A protein function with a negative predictive value of 80%. In summary, the available evidence is currently insufficient to determine the role of this variant in disease. Therefore, it has been classified as a Variant of Uncertain Significance.

GeneDx
Classification: Uncertain significance. Last evaluated: 2020-03-13. Review status: criteria provided, single submitter. Criteria: GeneDx Variant Classification Process June 2021. Collection method: clinical testing. Allele origin: germline. Affected: yes.
Comment: Has not been previously published as pathogenic or benign to our knowledge; In silico analysis supports that this missense variant has a deleterious effect on protein structure/function

Ambry Genetics
Classification: Likely benign for Cardiovascular phenotype. Last evaluated: 2019-09-19. Review status: criteria provided, single submitter. Criteria: Ambry Variant Classification Scheme 2023. Collection method: clinical testing. Allele origin: germline.